The following is an entry in ClinVar:

NM_024675.4(PALB2):c.1527T>C (p.Gly509=)

Gene: PALB2 (partner and localizer of BRCA2; minus strand). Cytogenetic location: 16p12.2.
Variant type: single nucleotide variant.
Coding change: c.1527T>C on transcript NM_024675.4 (MANE Select); coding-DNA position 1527, T replaced by C.
Protein change: p.Gly509=; no amino-acid change (glycine 509 retained).
Molecular consequence: synonymous variant. On other transcripts: intron variant (3).
Genome position (GRCh38, 1-based): chr16:23,635,019, A>G on the plus strand (T>C on the coding strand, the complement: PALB2 is on the minus strand). VCF-style: chr16-23635019-A-G. GRCh37 (hg19) VCF-style: chr16-23646340-A-G.
Other names: c.1467T>C, p.Gly489= (NM_001407296.1); c.1527T>C, p.Gly509= (NM_001407297.1, NM_001407298.1, NM_001407299.1 and 3 more transcripts); c.642T>C, p.Gly214= (NM_001407304.1, NM_001407305.1, NM_001407306.1 and 5 more transcripts); c.49-5744T>C (NM_001407314.1); c.-104-4550T>C (NM_001407313.1, NM_001407312.1).
Identifiers: ClinVar variation 3904102 (VCV003904102.1).
Genomic context (GRCh38, chr16:23,635,019, plus strand): 5'-TGGTTCACAATGATCTGATGCTGGGGTGCAGGCTGATTTTCTTTTTCCTGTGTATCTTCT[A>G]CCAGGTGCTTGGGCAACTGCCTTCCTAGACAAGTCATTATCTTCAGTGGGCCCAGCGGGA-3'
Protein context (NP_078951.2, residues 499-519): LSRKAVAQAP[Gly509=]RRYTGKRKSA

ClinVar aggregate classification (germline): Benign (1 of 4 stars; one submission).

Conditions:
Familial cancer of breast. Also called: Hereditary breast cancer; hereditary breast carcinoma; BREAST CANCER, FAMILIAL. Identifiers: Orphanet 227535, MedGen C0346153, MONDO:0016419, OMIM 114480. Disease mechanism: loss of function.

Submission:

Myriad Genetics, Inc.
Classification: Benign for Familial cancer of breast. Last evaluated: 2025-01-14. Review status: criteria provided, single submitter. Criteria: Myriad Autosomal Dominant, Autosomal Recessive and X-Linked Classification Criteria (2023). Collection method: clinical testing. Allele origin: unknown.
Comment: This variant is considered benign. This variant is a silent/synonymous amino acid change and it is not expected to impact splicing.